The following is an entry in ClinVar:

ClinVar aggregate classification (germline): Likely benign (1 of 4 stars; one submission).

Submission:

Mayo Clinic Laboratories, Mayo Clinic
Classification: Likely benign. Last evaluated: 2025-08-28. Review status: criteria provided, single submitter. Criteria: ACMG Guidelines, 2015. Collection method: clinical testing. Allele origin: germline. Observed: 1 variant allele.
Comment: BP4, BP7

NM_032588.4(TRIM63):c.598-8G>A

Gene: TRIM63 (tripartite motif containing 63; minus strand). Cytogenetic location: 1p36.11.
Variant type: single nucleotide variant.
Coding change: c.598-8G>A on transcript NM_032588.4 (MANE Select); 8 bases into the intron before coding-DNA position 598, G replaced by A.
Molecular consequence: intron variant.
Genome position (GRCh38, 1-based): chr1:26,058,631, C>T on the plus strand (G>A on the coding strand, the complement: TRIM63 is on the minus strand). VCF-style: chr1-26058631-C-T. GRCh37 (hg19) VCF-style: chr1-26385122-C-T.
Other names: p.?.
Identifiers: ClinVar variation 4684788 (VCV004684788.1).
Genomic context (GRCh38, chr1:26,058,631, plus strand): 5'-TACAACGTGTCAAACTTCTGGCTCAGCTCTTCCTTTACCTGGTGACTGTTCTCCTGAGGA[C>T]GGAAGTCTTGTGGTCACGTTCTGTAGGGTCTTTATTCCCTGCCCACTACACTGCCTTCCT-3'